The following is an entry in ClinVar:

ClinVar aggregate classification (germline): Uncertain significance (1 of 4 stars; one submission).

Conditions:
Primary immunodeficiency with post-measles-mumps-rubella vaccine viral infection. Also called: Immunodeficiency 44. Identifiers: Orphanet 431166, MedGen C4225260, MONDO:0014715, OMIM 616636.

gnomAD v4.1: 6 of 1,613,522 alleles (0.00037%); highest among the groups gnomAD compares: Middle Eastern, 0.033%; no homozygotes.

Submission:

Labcorp Genetics (formerly Invitae), Labcorp
Classification: Uncertain significance for Primary immunodeficiency with post-measles-mumps-rubella vaccine viral infection. Last evaluated: 2024-10-21. Review status: criteria provided, single submitter. Criteria: Invitae Variant Classification Sherloc (09022015). Collection method: clinical testing. Allele origin: germline.
Comment: This sequence change replaces proline, which is neutral and non-polar, with serine, which is neutral and polar, at codon 488 of the STAT2 protein (p.Pro488Ser). This variant is present in population databases (no rsID available, gnomAD 0.0009%). This variant has not been reported in the literature in individuals affected with STAT2-related conditions. ClinVar contains an entry for this variant (Variation ID: 1991172). Invitae Evidence Modeling of protein sequence and biophysical properties (such as structural, functional, and spatial information, amino acid conservation, physicochemical variation, residue mobility, and thermodynamic stability) indicates that this missense variant is expected to disrupt STAT2 protein function with a positive predictive value of 80%. In summary, the available evidence is currently insufficient to determine the role of this variant in disease. Therefore, it has been classified as a Variant of Uncertain Significance.

NM_005419.4(STAT2):c.1462C>T (p.Pro488Ser)

Gene: STAT2 (signal transducer and activator of transcription 2; minus strand). Cytogenetic location: 12q13.3.
Variant type: single nucleotide variant.
Coding change: c.1462C>T on transcript NM_005419.4 (MANE Select); coding-DNA position 1462, C replaced by T.
Protein change: p.Pro488Ser; replaces proline 488 with serine.
Molecular consequence: missense variant. On other transcripts: intron variant (1).
Genome position (GRCh38, 1-based): chr12:56,349,038, G>A on the plus strand (C>T on the coding strand, the complement: STAT2 is on the minus strand). VCF-style: chr12-56349038-G-A. GRCh37 (hg19) VCF-style: chr12-56742822-G-A.
Other names: c.1429C>T, p.Pro477Ser (NM_001385110.1); c.1363C>T, p.Pro455Ser (NM_001385111.1); c.1462C>T, p.Pro488Ser (NM_001385113.1); c.1441C>T, p.Pro481Ser (NM_001385114.1); c.1450C>T, p.Pro484Ser (NM_198332.2); c.1429-9C>T (NM_001385115.1); short protein forms P481S, P488S, P455S, P484S, P477S.
Identifiers: ClinVar variation 1991172 (VCV001991172.4), dbSNP rs750338004, ClinGen allele CA385260810.